The following is an entry in ClinVar:

NM_032119.4(ADGRV1):c.18850G>A (p.Glu6284Lys)

Gene: ADGRV1 (adhesion G protein-coupled receptor V1; plus strand). Cytogenetic location: 5q14.3.
Variant type: single nucleotide variant.
Coding change: c.18850G>A on transcript NM_032119.4 (MANE Select); coding-DNA position 18850, G replaced by A.
Protein change: p.Glu6284Lys; replaces glutamic acid 6284 with lysine.
Molecular consequence: missense variant. On other transcripts: non-coding transcript variant (1).
Genome position (GRCh38, 1-based): chr5:91,163,829, G>A. VCF-style: chr5-91163829-G-A. GRCh37 (hg19) VCF-style: chr5-90459646-G-A.
Other names: short protein forms E6284K.
Identifiers: ClinVar variation 1427736 (VCV001427736.9), dbSNP rs765198794, ClinGen allele CA360432939.

ClinVar aggregate classification (germline): Uncertain significance. Review status: criteria provided, multiple submitters, no conflicts (2 of 4 stars). 2 submissions from 2 submitters: Uncertain significance (2). Last evaluated 2026-05-18.

gnomAD v4.1: 2 of 1,606,726 alleles (0.00012%); highest among the groups gnomAD compares: Non-Finnish European, 0.00017%; no homozygotes.

Submissions (2):

Women's Health and Genetics/Laboratory Corporation of America, LabCorp
Classification: Uncertain significance. Last evaluated: 2026-05-18. Review status: criteria provided, single submitter. Criteria: LabCorp Variant Classification Summary - May 2015. Collection method: clinical testing. Allele origin: germline.
Comment: Variant summary: ADGRV1 c.18850G>A (p.Glu6284Lys) results in a conservative amino acid change in the encoded protein sequence. Algorithms developed to predict the effect of missense changes on protein structure and function are either unavailable or do not agree on the potential impact of this missense change. The variant was absent in 242234 control chromosomes. The available data on variant occurrences in the general population are insufficient to allow any conclusion about variant significance. To our knowledge, no occurrence of c.18850G>A in individuals affected with ADGRV1-related conditions and no experimental evidence demonstrating its impact on protein function have been reported. ClinVar contains an entry for this variant (Variation ID: 1427736). Based on the evidence outlined above, the variant was classified as uncertain significance.

Labcorp Genetics (formerly Invitae), Labcorp
Classification: Uncertain significance. Last evaluated: 2022-02-05. Review status: criteria provided, single submitter. Criteria: Invitae Variant Classification Sherloc (09022015). Collection method: clinical testing. Allele origin: germline.
Comment: In summary, the available evidence is currently insufficient to determine the role of this variant in disease. Therefore, it has been classified as a Variant of Uncertain Significance. Algorithms developed to predict the effect of missense changes on protein structure and function are either unavailable or do not agree on the potential impact of this missense change (SIFT: "Tolerated"; PolyPhen-2: "Possibly Damaging"; Align-GVGD: "Class C0"). This missense change has been observed in individual(s) with clinical features of ADGRV1-related conditions. (Invitae). This variant is not present in population databases (gnomAD no frequency). This sequence change replaces glutamic acid, which is acidic and polar, with lysine, which is basic and polar, at codon 6284 of the ADGRV1 protein (p.Glu6284Lys).